The following is an entry in ClinVar:

NM_014915.3(ANKRD26):c.-117G>A

Gene: ANKRD26 (ankyrin repeat domain 26; minus strand). Cytogenetic location: 10p12.1.
Variant type: single nucleotide variant.
Coding change: c.-117G>A on transcript NM_014915.3 (MANE Select); 117 bases upstream of the start codon, G replaced by A.
Molecular consequence: 5 prime UTR variant.
Genome position (GRCh38, 1-based): chr10:27,100,443, C>T on the plus strand (G>A on the coding strand, the complement: ANKRD26 is on the minus strand). VCF-style: chr10-27100443-C-T. GRCh37 (hg19) VCF-style: chr10-27389372-C-T.
Other names: c.-117G>A (NM_001256053.2).
Identifiers: ClinVar variation 1336159 (VCV001336159.14), dbSNP rs560384691, ClinGen allele CA204453840.

ClinVar aggregate classification (germline): Conflicting classifications of pathogenicity. Review status: criteria provided, conflicting classifications (1 of 4 stars). 5 submissions from 5 submitters: Uncertain significance (4); Likely benign (1). Last evaluated 2025-01-08.

Conditions:
ANKRD26-related disorder. Also called: ANKRD26-related condition.

Allele frequency attached by ClinVar (database versions not stated): gnomAD exomes 0.00003; TOPMed 0.00009; gnomAD 0.00011; 1000 Genomes Project 30x 0.00016; 1000 Genomes Project 0.00020.
gnomAD v4.1: 61 of 1,455,944 alleles (0.0042%); highest among the groups gnomAD compares: African/African-American, 0.027%; no homozygotes.

Submissions (5):

PreventionGenetics, part of Exact Sciences
Classification: Uncertain significance for ANKRD26-related condition. Last evaluated: 2025-01-08. Review status: criteria provided, single submitter. Criteria: ACMG Guidelines, 2015. Collection method: clinical testing. Allele origin: germline.
Comment: The ANKRD26 c.-117G>A variant is located in the 5' untranslated region. To our knowledge, this variant has not been reported in the literature. Variants in the 5’ UTR of the ANKRD26 gene, such as c.-116C>G, c.-118C>T, c.-127A>T and c.-134G>A, are linked to autosomal dominant thrombocytopenia and have also been associated with predisposition to myeloid malignancies with incomplete penetrance (Noris et al. 2013. PubMed ID: 24030261; Marquez et al. 2014. PubMed ID: 24628296). This variant is reported in 0.034% of alleles in individuals of African descent in gnomAD, which is higher than expected for an undocumented pathogenic variant in this gene. Although we suspect this variant is more likely to be benign, at this time, the clinical significance of this variant is uncertain due to the absence of conclusive functional and genetic evidence.

Blueprint Genetics
Classification: Likely benign. Last evaluated: 2024-10-02. Review status: criteria provided, single submitter. Criteria: ACMG Guidelines, 2015. Collection method: clinical testing. Allele origin: germline.

Labcorp Genetics (formerly Invitae), Labcorp
Classification: Uncertain significance. Last evaluated: 2024-06-11. Review status: criteria provided, single submitter. Criteria: Invitae Variant Classification Sherloc (09022015). Collection method: clinical testing. Allele origin: germline.
Comment: This variant occurs in a non-coding region of the ANKRD26 gene. It does not change the encoded amino acid sequence of the ANKRD26 protein. This variant is present in population databases (rs560384691, gnomAD 0.03%). This variant has not been reported in the literature in individuals affected with ANKRD26-related conditions. ClinVar contains an entry for this variant (Variation ID: 1336159). In summary, the available evidence is currently insufficient to determine the role of this variant in disease. Therefore, it has been classified as a Variant of Uncertain Significance.

GeneDx
Classification: Uncertain significance. Last evaluated: 2024-04-19. Review status: criteria provided, single submitter. Criteria: GeneDx Variant Classification Process June 2021. Collection method: clinical testing. Allele origin: germline.
Comment: Nucleotide is not conserved across species and the substitution has no predicted effect on splicing; Has not been previously published as pathogenic or benign to our knowledge

Genetic Services Laboratory, University of Chicago
Classification: Uncertain significance. Last evaluated: 2017-07-18. Review status: criteria provided, single submitter. Criteria: ACMG Guidelines, 2015. Collection method: clinical testing. Allele origin: germline. Affected: no.